The following is an entry in ClinVar:

ClinVar aggregate classification (germline): Likely benign. Review status: criteria provided, multiple submitters, no conflicts (2 of 4 stars). 5 submissions from 5 submitters: Likely benign (5). Last evaluated 2026-01-31.

Conditions:
PTCH1-related disorder. Also called: PTCH1-related disorders; PTCH1-related condition.
Hereditary cancer-predisposing syndrome. Also called: Neoplastic Syndromes, Hereditary; Tumor predisposition; Hereditary neoplastic syndrome; Hereditary Cancer Syndrome. Identifiers: Orphanet 140162, MedGen C0027672, MeSH D009386, MONDO:0015356.
Gorlin syndrome. Also called: Nevoid Basal Cell Carcinoma Syndrome; Basal cell nevus syndrome. Identifiers: Orphanet 377, MedGen C0004779, MONDO:0007187.

Allele frequency attached by ClinVar (database versions not stated): gnomAD 0.00001; gnomAD exomes 0.00001 and 0.00002; TOPMed 0.00001; ExAC 0.00002.
gnomAD v4.1: 19 of 1,614,140 alleles (0.0012%); highest among the groups gnomAD compares: Non-Finnish European, 0.0016%; no homozygotes.

Submissions (5):

Labcorp Genetics (formerly Invitae), Labcorp
Classification: Likely benign for Gorlin syndrome. Last evaluated: 2026-01-31. Review status: criteria provided, single submitter. Criteria: Invitae Variant Classification Sherloc (09022015). Collection method: clinical testing. Allele origin: germline.

Quest Diagnostics Nichols Institute San Juan Capistrano
Classification: Likely benign. Last evaluated: 2025-07-22. Review status: criteria provided, single submitter. Criteria: Quest Diagnostics criteria. Collection method: clinical testing. Allele origin: unknown.

PreventionGenetics, part of Exact Sciences
Classification: Likely benign for PTCH1-related condition. Last evaluated: 2024-11-09. Review status: criteria provided, single submitter. Criteria: ACMG Guidelines, 2015. Collection method: clinical testing. Allele origin: germline.
Comment: This variant is classified as likely benign based on ACMG/AMP sequence variant interpretation guidelines (Richards et al. 2015 PMID: 25741868, with internal and published modifications).

CeGaT Center for Human Genetics Tuebingen
Classification: Likely benign. Last evaluated: 2023-02-01. Review status: criteria provided, single submitter. Criteria: CeGaT Center For Human Genetics Tuebingen Variant Classification Criteria Version 2. Collection method: clinical testing. Allele origin: germline. Affected: yes. Observed: 1 variant allele.
Comment: PTCH1: BP4, BP7

Ambry Genetics
Classification: Likely benign for Hereditary cancer-predisposing syndrome. Last evaluated: 2018-01-18. Review status: criteria provided, single submitter. Criteria: Ambry Variant Classification Scheme 2023. Collection method: clinical testing. Allele origin: germline.

NM_000264.5(PTCH1):c.2505A>G (p.Glu835=)

Genes: PTCH1 (patched 1; minus strand), LOC100507346 (uncharacterized LOC100507346; plus strand). Cytogenetic location: 9q22.32.
Variant type: single nucleotide variant.
Coding change: c.2505A>G on transcript NM_000264.5 (MANE Select); coding-DNA position 2505, A replaced by G.
Protein change: p.Glu835=; no amino-acid change (glutamic acid 835 retained).
Molecular consequence: synonymous variant. On other transcripts: non-coding transcript variant (2).
Genome position (GRCh38, 1-based): chr9:95,467,171, T>C on the plus strand (A>G on the coding strand, the complement: PTCH1 is on the minus strand). VCF-style: chr9-95467171-T-C. GRCh37 (hg19) VCF-style: chr9-98229453-T-C.
Other names: c.2307A>G, p.Glu769= (NM_001083602.3); c.2502A>G, p.Glu834= (NM_001083603.3); c.2052A>G, p.Glu684= (NM_001083604.3, NM_001083605.3, NM_001083606.3 and 1 more transcripts); c.2349A>G, p.Glu783= (NM_001354918.2); c.2505A>G (NM_000264.4).
Identifiers: ClinVar variation 701526 (VCV000701526.41), dbSNP rs749651063, ClinGen allele CA5138394.